The following is an entry in ClinVar:

NM_006031.6(PCNT):c.6733A>T (p.Thr2245Ser)

Gene: PCNT (pericentrin; plus strand). Cytogenetic location: 21q22.3.
Variant type: single nucleotide variant.
Coding change: c.6733A>T on transcript NM_006031.6 (MANE Select); coding-DNA position 6733, A replaced by T.
Protein change: p.Thr2245Ser; replaces threonine 2245 with serine.
Molecular consequence: missense variant.
Genome position (GRCh38, 1-based): chr21:46,416,651, A>T. VCF-style: chr21-46416651-A-T. GRCh37 (hg19) VCF-style: chr21-47836565-A-T.
Other names: c.6379A>T, p.Thr2127Ser (NM_001315529.2); c.6733A>T (NM_006031.5); short protein forms T2245S, T2127S.
Identifiers: ClinVar variation 1501405 (VCV001501405.5), dbSNP rs773757779, ClinGen allele CA10080387.

ClinVar aggregate classification (germline): Uncertain significance. Review status: criteria provided, multiple submitters, no conflicts (2 of 4 stars). 2 submissions from 2 submitters: Uncertain significance (2). Last evaluated 2025-12-04.

Conditions:
Inborn genetic diseases. Identifiers: MedGen C0950123, MeSH D030342.

Allele frequency attached by ClinVar (database versions not stated): gnomAD exomes below 0.00001; TOPMed 0.00001; ExAC 0.00001.
gnomAD v4.1: 6 of 1,565,176 alleles (0.00038%); highest among the groups gnomAD compares: South Asian, 0.0024%; no homozygotes.

Submissions (2):

Ambry Genetics
Classification: Uncertain significance for Inborn genetic diseases. Last evaluated: 2025-12-04. Review status: criteria provided, single submitter. Criteria: Ambry Variant Classification Scheme 2023. Collection method: clinical testing. Allele origin: germline.

Labcorp Genetics (formerly Invitae), Labcorp
Classification: Uncertain significance. Last evaluated: 2023-12-22. Review status: criteria provided, single submitter. Criteria: Invitae Variant Classification Sherloc (09022015). Collection method: clinical testing. Allele origin: germline.
Comment: This sequence change replaces threonine, which is neutral and polar, with serine, which is neutral and polar, at codon 2245 of the PCNT protein (p.Thr2245Ser). This variant is present in population databases (rs773757779, gnomAD 0.005%). This variant has not been reported in the literature in individuals affected with PCNT-related conditions. ClinVar contains an entry for this variant (Variation ID: 1501405). An algorithm developed to predict the effect of missense changes on protein structure and function (PolyPhen-2) suggests that this variant is likely to be disruptive. In summary, the available evidence is currently insufficient to determine the role of this variant in disease. Therefore, it has been classified as a Variant of Uncertain Significance.